The following is an entry in ClinVar:

ClinVar aggregate classification (germline): Benign/Likely benign. Review status: criteria provided, multiple submitters, no conflicts (2 of 4 stars). 3 submissions from 3 submitters: Benign (1); Likely benign (2). Last evaluated 2025-10-27.

Conditions:
Familial thoracic aortic aneurysm and aortic dissection (TAAD). Also called: Thoracic aortic aneurysms and dissections. Identifiers: Orphanet 91387, MedGen C4707243, MONDO:0019625.
FG syndrome (FGS). Identifiers: MedGen C0220769, MONDO:0002010.

Allele frequency attached by ClinVar (database versions not stated): TOPMed below 0.00001; ExAC 0.00001; gnomAD 0.00002; gnomAD exomes 0.00005.
gnomAD v4.1: 52 of 1,203,678 alleles (0.0043%); highest among the groups gnomAD compares: Non-Finnish European, 0.0057%; no homozygotes.

Submissions (3):

Labcorp Genetics (formerly Invitae), Labcorp
Classification: Benign for FG syndrome. Last evaluated: 2025-10-27. Review status: criteria provided, single submitter. Criteria: Invitae Variant Classification Sherloc (09022015). Collection method: clinical testing. Allele origin: germline.

CeGaT Center for Human Genetics Tuebingen
Classification: Likely benign. Last evaluated: 2024-08-01. Review status: criteria provided, single submitter. Criteria: CeGaT Center For Human Genetics Tuebingen Variant Classification Criteria Version 2. Collection method: clinical testing. Allele origin: germline. Affected: yes. Observed: 1 variant allele.
Comment: MED12: BP4, BP7, BS2

Ambry Genetics
Classification: Likely benign for Familial thoracic aortic aneurysm and aortic dissection. Last evaluated: 2018-05-17. Review status: criteria provided, single submitter. Criteria: Ambry Variant Classification Scheme 2023. Collection method: clinical testing. Allele origin: germline.

NM_005120.3(MED12):c.3483T>C (p.Ser1161=)

Gene: MED12 (mediator complex subunit 12; plus strand). Cytogenetic location: Xq13.1.
Variant type: single nucleotide variant.
Coding change: c.3483T>C on transcript NM_005120.3 (MANE Select); coding-DNA position 3483, T replaced by C.
Protein change: p.Ser1161=; no amino-acid change (serine 1161 retained).
Molecular consequence: synonymous variant.
Genome position (GRCh38, 1-based): chrX:71,129,121, T>C. VCF-style: chrX-71129121-T-C. GRCh37 (hg19) VCF-style: chrX-70348971-T-C.
Identifiers: ClinVar variation 1731862 (VCV001731862.23), dbSNP rs774227521, ClinGen allele CA10444506.
Genomic context (GRCh38, chrX:71,129,121, plus strand): 5'-CCCACATACAGTTTAACTTCATCCCTTCCAGATCTGTTTTGTCTTCCTTTTAGCTTGTAG[T>C]GAACAGGACTCTGAGCCAGGGGCCCGGCTTACCTGCCGCATCCTCCTTCACCTTTTCAAG-3'
Protein context (NP_005111.2, residues 1151-1171): AIPSLLNAAC[Ser1161=]EQDSEPGARL